The following is an entry in ClinVar:

ClinVar aggregate classification (germline): Uncertain significance. Review status: criteria provided, multiple submitters, no conflicts (2 of 4 stars). 2 submissions from 2 submitters: Uncertain significance (2). Last evaluated 2025-12-15.

Allele frequency attached by ClinVar (database versions not stated): gnomAD exomes 0.00002; gnomAD 0.00003; ExAC 0.00004; TOPMed 0.00006; ESP Exome Variant Server 0.00015.
gnomAD v4.1: 29 of 1,613,970 alleles (0.0018%); highest among the groups gnomAD compares: African/African-American, 0.0093%; no homozygotes.

Submissions (2):

Ambry Genetics
Classification: Uncertain significance. Last evaluated: 2025-12-15. Review status: criteria provided, single submitter. Criteria: Ambry Variant Classification Scheme 2023. Collection method: clinical testing. Allele origin: germline.

Labcorp Genetics (formerly Invitae), Labcorp
Classification: Uncertain significance. Last evaluated: 2025-12-01. Review status: criteria provided, single submitter. Criteria: Invitae Variant Classification Sherloc (09022015). Collection method: clinical testing. Allele origin: germline.
Comment: This sequence change replaces arginine, which is basic and polar, with glutamine, which is neutral and polar, at codon 254 of the CARD8 protein (p.Arg254Gln). This variant is present in population databases (rs149533293, gnomAD 0.02%). This variant has not been reported in the literature in individuals affected with CARD8-related conditions. ClinVar contains an entry for this variant (Variation ID: 1938726). An algorithm developed to predict the effect of missense changes on protein structure and function (PolyPhen-2) suggests that this variant is likely to be disruptive. In summary, the available evidence is currently insufficient to determine the role of this variant in disease. Therefore, it has been classified as a Variant of Uncertain Significance.

NM_001184900.3(CARD8):c.911G>A (p.Arg304Gln)

Gene: CARD8 (caspase recruitment domain family member 8; minus strand). Cytogenetic location: 19q13.33.
Variant type: single nucleotide variant.
Coding change: c.911G>A on transcript NM_001184900.3 (MANE Select); coding-DNA position 911, G replaced by A.
Protein change: p.Arg304Gln; replaces arginine 304 with glutamine.
Molecular consequence: missense variant. On other transcripts: non-coding transcript variant (4).
Genome position (GRCh38, 1-based): chr19:48,230,562, C>T on the plus strand (G>A on the coding strand, the complement: CARD8 is on the minus strand). VCF-style: chr19-48230562-C-T. GRCh37 (hg19) VCF-style: chr19-48733819-C-T.
Other names: c.911G>A (NM_001184900.1); c.761G>A, p.Arg254Gln (NM_001184901.1, NM_001351783.2, NM_001351788.2 and 2 more transcripts); c.911G>A, p.Arg304Gln (NM_001184902.2, NM_001184903.1, NM_001351782.2); c.596G>A, p.Arg199Gln (NM_001351784.2, NM_001351787.2, NM_001351791.2 and 1 more transcripts); c.575G>A, p.Arg192Gln (NM_001351786.2); c.668G>A, p.Arg223Gln (NM_001351790.2); c.593G>A, p.Arg198Gln (NM_001365950.1); short protein forms R223Q, R192Q, R199Q, R198Q, R304Q, R254Q.
Identifiers: ClinVar variation 1938726 (VCV001938726.6), dbSNP rs149533293, ClinGen allele CA9547877.